The following is an entry in ClinVar:

NM_032888.4(COL27A1):c.420G>A (p.Gly140=)

Gene: COL27A1 (collagen type XXVII alpha 1 chain; plus strand). Cytogenetic location: 9q32.
Variant type: single nucleotide variant.
Coding change: c.420G>A on transcript NM_032888.4 (MANE Select); coding-DNA position 420, G replaced by A.
Protein change: p.Gly140=; no amino-acid change (glycine 140 retained).
Molecular consequence: synonymous variant.
Genome position (GRCh38, 1-based): chr9:114,167,975, G>A. VCF-style: chr9-114167975-G-A. GRCh37 (hg19) VCF-style: chr9-116930255-G-A.
Identifiers: ClinVar variation 2659440 (VCV002659440.24), dbSNP rs1418892658, ClinGen allele CA466910094.

ClinVar aggregate classification (germline): Likely benign (1 of 4 stars; one submission).

Submission:

CeGaT Center for Human Genetics Tuebingen
Classification: Likely benign. Last evaluated: 2023-02-01. Review status: criteria provided, single submitter. Criteria: CeGaT Center For Human Genetics Tuebingen Variant Classification Criteria Version 2. Collection method: clinical testing. Allele origin: germline. Affected: yes. Observed: 1 variant allele.
Comment: COL27A1: PM2:Supporting, BP4, BP7